The following is an entry in ClinVar:

NM_015271.5(TRIM2):c.251C>T (p.Thr84Ile)

Gene: TRIM2 (tripartite motif containing 2; plus strand). Cytogenetic location: 4q31.3.
Variant type: single nucleotide variant.
Coding change: c.251C>T on transcript NM_015271.5 (MANE Select); coding-DNA position 251, C replaced by T.
Protein change: p.Thr84Ile; replaces threonine 84 with isoleucine.
Molecular consequence: missense variant. On other transcripts: 5 prime UTR variant (2), intron variant (2).
Genome position (GRCh38, 1-based): chr4:153,275,928, C>T. VCF-style: chr4-153275928-C-T. GRCh37 (hg19) VCF-style: chr4-154197080-C-T.
Other names: c.170C>T, p.Thr57Ile (NM_001375512.1, NM_001375513.1, NM_001375514.1 and 5 more transcripts); c.251C>T, p.Thr84Ile (NM_001375519.1, NM_001302692.2, NM_001375488.1 and 1 more transcripts); c.248C>T, p.Thr83Ile (NM_001375520.1, NM_001302693.2, NM_001375489.1 and 1 more transcripts); c.-89C>T (NM_001375525.1); c.-74-15C>T (NM_001375523.1, NM_001375522.1); c.224C>T, p.Thr75Ile (NM_001302694.2, NM_001351054.2); c.221C>T, p.Thr74Ile (NM_001351055.2); c.-307C>T (NM_001351057.2); short protein forms T57I, T75I, T84I, T74I, T83I.
Identifiers: ClinVar variation 474606 (VCV000474606.8), dbSNP rs745985238, ClinGen allele CA358469915.

ClinVar aggregate classification (germline): Uncertain significance (1 of 4 stars; one submission).

Conditions:
Charcot-Marie-Tooth disease type 2R. Also called: CHARCOT-MARIE-TOOTH DISEASE, AXONAL, AUTOSOMAL RECESSIVE, TYPE 2R; Charcot-Marie-Tooth disease, axonal, type 2R; CHARCOT-MARIE-TOOTH NEUROPATHY, TYPE 2R. Identifiers: Orphanet 397968, MedGen C3809655, MONDO:0014208, OMIM 615490.

Submission:

Labcorp Genetics (formerly Invitae), Labcorp
Classification: Uncertain significance for Charcot-Marie-Tooth disease type 2R. Last evaluated: 2022-07-11. Review status: criteria provided, single submitter. Criteria: Invitae Variant Classification Sherloc (09022015). Collection method: clinical testing. Allele origin: germline.
Comment: In summary, the available evidence is currently insufficient to determine the role of this variant in disease. Therefore, it has been classified as a Variant of Uncertain Significance. Algorithms developed to predict the effect of missense changes on protein structure and function are either unavailable or do not agree on the potential impact of this missense change (SIFT: "Deleterious"; PolyPhen-2: "Possibly Damaging"; Align-GVGD: "Class C0"). ClinVar contains an entry for this variant (Variation ID: 474606). This variant has not been reported in the literature in individuals affected with TRIM2-related conditions. This variant is not present in population databases (gnomAD no frequency). This sequence change replaces threonine, which is neutral and polar, with isoleucine, which is neutral and non-polar, at codon 57 of the TRIM2 protein (p.Thr57Ile).